The following is an entry in ClinVar:

ClinVar aggregate classification (germline): Uncertain significance (1 of 4 stars; one submission).

Conditions:
Hereditary diffuse gastric adenocarcinoma (HDGC). Also called: DIFFUSE GASTRIC AND LOBULAR BREAST CANCER SYNDROME. Identifiers: Orphanet 26106, MedGen C1708349, MONDO:0007648, OMIM 137215.

Submission:

Labcorp Genetics (formerly Invitae), Labcorp
Classification: Uncertain significance for Hereditary diffuse gastric adenocarcinoma. Last evaluated: 2022-08-24. Review status: criteria provided, single submitter. Criteria: Invitae Variant Classification Sherloc (09022015). Collection method: clinical testing. Allele origin: unknown.
Comment: This variant results in a copy number gain of the genomic region encompassing exon(s) 1-10 of the CDH1 gene. This region includes the initiator codon of the gene. This copy number gain extends beyond the assayed region for this gene and therefore may encompass additional genes. As the precise location of this event is unknown, it may be in tandem or it may be located elsewhere in the genome. This variant has not been reported in the literature in individuals affected with CDH1-related conditions. Experimental studies and prediction algorithms are not available or were not evaluated, and the functional significance of this variant is currently unknown. In summary, the available evidence is currently insufficient to determine the role of this variant in disease. Therefore, it has been classified as a Variant of Uncertain Significance.

NC_000016.9:g.(?_68710268)_(68849682_?)dup

Genes: CDH1 (cadherin 1; plus strand), CDH3 (cadherin 3; plus strand). Cytogenetic location: 16q22.1.
Variant type: Duplication.
Identifiers: ClinVar variation 3243402 (VCV003243402.1).